The following is an entry in ClinVar:

ClinVar aggregate classification (germline): Pathogenic/Likely pathogenic. Review status: criteria provided, multiple submitters, no conflicts (2 of 4 stars). 4 submissions from 4 submitters: Pathogenic (3); Likely pathogenic (1). Last evaluated 2025-12-15.

Conditions:
CD2AP-related disorder. Also called: CD2AP-related condition.
Focal segmental glomerulosclerosis 3, susceptibility to (FSGS3). Identifiers: Orphanet 656, MedGen C1842982, MONDO:0011917, OMIM 607832.

Submissions (4):

Labcorp Genetics (formerly Invitae), Labcorp
Classification: Pathogenic. Last evaluated: 2025-12-15. Review status: criteria provided, single submitter. Criteria: Invitae Variant Classification Sherloc (09022015). Collection method: clinical testing. Allele origin: germline.
Comment: This sequence change creates a premature translational stop signal (p.Asn581Lysfs*5) in the CD2AP gene. It is expected to result in an absent or disrupted protein product. Loss-of-function variants in CD2AP are known to be pathogenic (PMID: 10514378, 12764198, 17713465, 19131354, 30612599, 34408996). The frequency data for this variant in the population databases is considered unreliable, as metrics indicate poor data quality at this position in the gnomAD database. This premature translational stop signal has been observed in individual(s) with chronic kidney disease (PMID: 35325889). ClinVar contains an entry for this variant (Variation ID: 1179195). For these reasons, this variant has been classified as Pathogenic.

PreventionGenetics, part of Exact Sciences
Classification: Likely pathogenic for CD2AP-related condition. Last evaluated: 2025-11-25. Review status: criteria provided, single submitter. Criteria: ACMG Guidelines, 2015. Collection method: clinical testing. Allele origin: germline.
Comment: The CD2AP c.1742dupA variant is predicted to result in a frameshift and premature protein termination (p.Asn581Lysfs*5). This variant was reported in association with chronic kidney disease (Bleyer et al. 2022. PubMed ID: 35325889). This variant is reported in 0.0080% of alleles in individuals of African descent in gnomAD. Frameshift variants in CD2AP are expected to be pathogenic. This variant is interpreted as likely pathogenic.

3billion
Classification: Pathogenic for Focal segmental glomerulosclerosis 3, susceptibility to. Last evaluated: 2022-09-01. Review status: criteria provided, single submitter. Criteria: ACMG Guidelines, 2015. Collection method: clinical testing. Allele origin: germline. Affected: yes. Observed: 1 heterozygote.
Comment: The variant is observed at an extremely low frequency in the gnomAD v2.1.1 dataset (total allele frequency: <0.001%). It is predicted to result in a loss or disruption of normal protein function through nonsense-mediated decay (NMD) or protein truncation. Multiple pathogenic variants are reported downstream of the variant. The variant has been reported to be associated with CD2AP-related disorder (ClinVar ID: VCV001179195). Therefore, this variant is classified as Pathogenic according to the recommendation of ACMG/AMP guideline.

Fulgent Genetics
Classification: Pathogenic for Focal segmental glomerulosclerosis 3, susceptibility to. Last evaluated: 2022-05-05. Review status: criteria provided, single submitter. Criteria: ACMG Guidelines, 2015. Collection method: clinical testing. Allele origin: unknown.

Literature cited by the submitters: PubMed 10514378 (cited by Labcorp Genetics (formerly Invitae), Labcorp); PubMed 12764198 (cited by Labcorp Genetics (formerly Invitae), Labcorp); PubMed 17713465 (cited by Labcorp Genetics (formerly Invitae), Labcorp); PubMed 19131354 (cited by Labcorp Genetics (formerly Invitae), Labcorp); PubMed 30612599 (cited by Labcorp Genetics (formerly Invitae), Labcorp); PubMed 34408996 (cited by Labcorp Genetics (formerly Invitae), Labcorp); PubMed 35325889 (cited by Labcorp Genetics (formerly Invitae), Labcorp).

NM_012120.3(CD2AP):c.1742dup (p.Asn581fs)

Gene: CD2AP (CD2 associated protein; plus strand). Cytogenetic location: 6p12.3.
Variant type: Duplication.
Coding change: c.1742dup on transcript NM_012120.3 (MANE Select); coding-DNA position 1742, one base duplicated (A; older notation c.1742dupA).
Protein change: p.Asn581fs; shifts the reading frame from asparagine 581.
Molecular consequence: frameshift variant.
Genome position (GRCh38, 1-based): chr6:47,609,232, A duplicated; the last of 8 consecutive A bases (chr6:47,609,225-47,609,232); duplicating any one gives the same sequence. VCF-style (leftmost placement, unchanged base first): chr6-47609224-G-GA. GRCh37 (hg19) VCF-style: chr6-47576960-G-GA.
Other names: c.1742dupA (NM_012120.2); short protein forms N581fs.
Identifiers: ClinVar variation 1179195 (VCV001179195.6), dbSNP rs773479372, ClinGen allele CA3844442.